The following is an entry in ClinVar:

ClinVar aggregate classification (germline): Uncertain significance (1 of 4 stars; one submission).

Conditions:
Cardiomyopathy (CMYO). Also called: Cardiomyopathies. Identifiers: Orphanet 167848, MedGen C0878544, MONDO:0004994, HP:0001638. Inheritance: Various modes of inheritance.

Submission:

Color Diagnostics, LLC DBA Color Health
Classification: Uncertain significance for Cardiomyopathy. Last evaluated: 2025-08-04. Review status: criteria provided, single submitter. Criteria: ACMG Guidelines, 2015. Collection method: clinical testing. Allele origin: germline.
Comment: This missense variant replaces histidine with asparagine at codon 1590 of the MYH7 protein. Computational prediction suggests that this variant may not impact protein structure and function. To our knowledge, functional studies have not been reported for this variant. This variant has not been reported in individuals affected with MYH7-related disorders in the literature. This variant has not been identified in the general population by the Genome Aggregation Database (gnomAD). The available evidence is insufficient to determine the role of this variant in disease conclusively. Therefore, this variant is classified as a Variant of Uncertain Significance.

NM_000257.4(MYH7):c.4768C>A (p.His1590Asn)

Genes: MHRT (myosin heavy chain associated RNA transcript; plus strand), MYH7 (myosin heavy chain 7; minus strand), LOC126861897 (BRD4-independent group 4 enhancer GRCh37_chr14:23884455-23885654; plus strand). Cytogenetic location: 14q11.2.
Variant type: single nucleotide variant.
Coding change: c.4768C>A on transcript NM_000257.4 (MANE Select); coding-DNA position 4768, C replaced by A.
Protein change: p.His1590Asn; replaces histidine 1590 with asparagine.
Molecular consequence: missense variant. On other transcripts: non-coding transcript variant (1).
Genome position (GRCh38, 1-based): chr14:23,416,189, G>T on the plus strand (C>A on the coding strand, the complement: MYH7 is on the minus strand). VCF-style: chr14-23416189-G-T. GRCh37 (hg19) VCF-style: chr14-23885398-G-T.
Other names: c.4768C>A, p.His1590Asn (NM_001407004.1); short protein forms H1590N.
Identifiers: ClinVar variation 4758122 (VCV004758122.1).
Genomic context (GRCh38, chr14:23,416,189, plus strand): 5'-CGTTGCGGCTGCGTGTCTCTGCGTCCAGGGAGGTCTGCAGCGAGTCCACCACCCGCAGGT[G>T]GTTGCGCTTGGCCTGTTCCATCTCCTCGTCCTTCTCTGCCAGCTTCCGCTCGATCTCTGC-3'
Protein context (NP_000248.2, residues 1580-1600): DEEMEQAKRN[His1590Asn]LRVVDSLQTS